The following is an entry in ClinVar:

ClinVar aggregate classification (germline): Uncertain significance (1 of 4 stars; one submission).

Conditions:
Myasthenic syndrome, congenital, 22 (CMS22). Also called: PREPL DEFICIENCY. Identifiers: MedGen C4479088, MONDO:0044299, OMIM 616224.

Submission:

Labcorp Genetics (formerly Invitae), Labcorp
Classification: Uncertain significance for Myasthenic syndrome, congenital, 22. Last evaluated: 2024-12-23. Review status: criteria provided, single submitter. Criteria: Invitae Variant Classification Sherloc (09022015). Collection method: clinical testing. Allele origin: germline.
Comment: This sequence change replaces proline, which is neutral and non-polar, with arginine, which is basic and polar, at codon 415 of the PREPL protein (p.Pro415Arg). This variant is not present in population databases (gnomAD no frequency). This variant has not been reported in the literature in individuals affected with PREPL-related conditions. Invitae Evidence Modeling of protein sequence and biophysical properties (such as structural, functional, and spatial information, amino acid conservation, physicochemical variation, residue mobility, and thermodynamic stability) indicates that this missense variant is not expected to disrupt PREPL protein function with a negative predictive value of 80%. In summary, the available evidence is currently insufficient to determine the role of this variant in disease. Therefore, it has been classified as a Variant of Uncertain Significance.

NM_001171613.2(PREPL):c.977C>G (p.Pro326Arg)

Gene: PREPL (prolyl endopeptidase like; minus strand). Cytogenetic location: 2p21.
Variant type: single nucleotide variant.
Coding change: c.977C>G on transcript NM_001171613.2 (MANE Select); coding-DNA position 977, C replaced by G.
Protein change: p.Pro326Arg; replaces proline 326 with arginine.
Molecular consequence: missense variant. On other transcripts: intron variant (1).
Genome position (GRCh38, 1-based): chr2:44,332,568, G>C on the plus strand (C>G on the coding strand, the complement: PREPL is on the minus strand). VCF-style: chr2-44332568-G-C. GRCh37 (hg19) VCF-style: chr2-44559707-G-C.
Other names: c.1156-3456C>G (NM_001042386.2); c.1058C>G, p.Pro353Arg (NM_001042385.2); c.1244C>G, p.Pro415Arg (NM_001171603.1, NM_001171606.2, NM_001374275.1 and 2 more transcripts); c.977C>G, p.Pro326Arg (NM_001171617.1, NM_001374277.1); short protein forms P326R, P415R, P353R.
Identifiers: ClinVar variation 3701097 (VCV003701097.2).